The following is an entry in ClinVar:

ClinVar aggregate classification (germline): Uncertain significance (1 of 4 stars; one submission).

Conditions:
Cardiovascular phenotype. Identifiers: MedGen CN230736.

Submission:

Ambry Genetics
Classification: Uncertain significance for Cardiovascular phenotype. Last evaluated: 2022-05-02. Review status: criteria provided, single submitter. Criteria: Ambry Variant Classification Scheme 2023. Collection method: clinical testing. Allele origin: germline.
Comment: The p.L355F variant (also known as c.1063C>T), located in coding exon 6 of the EPHB4 gene, results from a C to T substitution at nucleotide position 1063. The leucine at codon 355 is replaced by phenylalanine, an amino acid with highly similar properties. This amino acid position is conserved. In addition, the in silico prediction for this alteration is inconclusive. Since supporting evidence is limited at this time, the clinical significance of this alteration remains unclear.

NM_004444.5(EPHB4):c.1063C>T (p.Leu355Phe)

Gene: EPHB4 (EPH receptor B4; minus strand). Cytogenetic location: 7q22.1.
Variant type: single nucleotide variant.
Coding change: c.1063C>T on transcript NM_004444.5 (MANE Select); coding-DNA position 1063, C replaced by T.
Protein change: p.Leu355Phe; replaces leucine 355 with phenylalanine.
Molecular consequence: missense variant.
Genome position (GRCh38, 1-based): chr7:100,819,791, G>A on the plus strand (C>T on the coding strand, the complement: EPHB4 is on the minus strand). VCF-style: chr7-100819791-G-A. GRCh37 (hg19) VCF-style: chr7-100417413-G-A.
Other names: short protein forms L355F.
Identifiers: ClinVar variation 1781010 (VCV001781010.2), dbSNP rs1562972035, ClinGen allele CA368576669.